The following is an entry in ClinVar:

NM_001029883.3(PCARE):c.1516C>T (p.Gln506Ter)

Gene: PCARE (photoreceptor cilium actin regulator; minus strand). Cytogenetic location: 2p23.2.
Variant type: single nucleotide variant.
Coding change: c.1516C>T on transcript NM_001029883.3 (MANE Select); coding-DNA position 1516, C replaced by T.
Protein change: p.Gln506Ter; replaces glutamine 506 with a stop codon.
Molecular consequence: nonsense.
Genome position (GRCh38, 1-based): chr2:29,072,746, G>A on the plus strand (C>T on the coding strand, the complement: PCARE is on the minus strand). VCF-style: chr2-29072746-G-A. GRCh37 (hg19) VCF-style: chr2-29295612-G-A.
Other names: short protein forms Q506*.
Identifiers: ClinVar variation 1073099 (VCV001073099.7), dbSNP rs1667514184, ClinGen allele CA346479496.

ClinVar aggregate classification (germline): Pathogenic (1 of 4 stars; one submission).

Allele frequency attached by ClinVar (database versions not stated): TOPMed below 0.00001.

Submission:

Labcorp Genetics (formerly Invitae), Labcorp
Classification: Pathogenic. Last evaluated: 2017-09-13. Review status: criteria provided, single submitter. Criteria: Invitae Variant Classification Sherloc (09022015). Collection method: clinical testing. Allele origin: germline.
Comment: This variant has not been reported in the literature in individuals with C2orf71-related disease. For these reasons, this variant has been classified as Pathogenic. Loss-of-function variants in C2orf71 are known to be pathogenic (PMID: 20398886, 24339724, 26496393). This variant is not present in population databases (ExAC no frequency). This sequence change creates a premature translational stop signal (p.Gln506*) in the C2orf71 gene. It is expected to result in an absent or disrupted protein product.

Literature cited by the submitters: PubMed 20398886; PubMed 24339724; PubMed 26496393.